The following is an entry in ClinVar:

NM_000257.4(MYH7):c.5473G>A (p.Glu1825Lys)

Gene: MYH7 (myosin heavy chain 7; minus strand). Cytogenetic location: 14q11.2.
Variant type: single nucleotide variant.
Coding change: c.5473G>A on transcript NM_000257.4 (MANE Select); coding-DNA position 5473, G replaced by A.
Protein change: p.Glu1825Lys; replaces glutamic acid 1825 with lysine.
Molecular consequence: missense variant.
Genome position (GRCh38, 1-based): chr14:23,415,081, C>T on the plus strand (G>A on the coding strand, the complement: MYH7 is on the minus strand). VCF-style: chr14-23415081-C-T. GRCh37 (hg19) VCF-style: chr14-23884290-C-T.
Other names: c.5473G>A, p.Glu1825Lys (NM_001407004.1); short protein forms E1825K.
Identifiers: ClinVar variation 4074425 (VCV004074425.1).

ClinVar aggregate classification (germline): Uncertain significance (1 of 4 stars; one submission).

Submission:

GeneDx
Classification: Uncertain significance. Last evaluated: 2025-01-23. Review status: criteria provided, single submitter. Criteria: GeneDx Variant Classification Process June 2021. Collection method: clinical testing. Allele origin: germline. Affected: yes.
Comment: Not observed at significant frequency in large population cohorts (gnomAD); In silico analysis supports that this missense variant has a deleterious effect on protein structure/function; Has not been previously published as pathogenic or benign to our knowledge